The following is an entry in ClinVar:

NM_000195.5(HPS1):c.1716dup (p.Pro573fs)

Gene: HPS1 (HPS1 biogenesis of lysosomal organelles complex 3 subunit 1; minus strand). Cytogenetic location: 10q24.2.
Variant type: Duplication.
Coding change: c.1716dup on transcript NM_000195.5 (MANE Select); coding-DNA position 1716, one base duplicated (G; older notation c.1716dupG).
Protein change: p.Pro573fs; shifts the reading frame from proline 573.
Molecular consequence: frameshift variant.
Genome position (GRCh38, 1-based): chr10:98,422,396, C duplicated on the plus strand (G on the coding strand, the reverse complement: HPS1 is on the minus strand); the first of 4 consecutive C bases (chr10:98,422,396-98,422,399); duplicating any one gives the same sequence. VCF-style (leftmost placement, unchanged base first): chr10-98422395-G-GC. GRCh37 (hg19) VCF-style: chr10-100182152-G-GC.
Other names: c.744dup, p.Pro249fs (NM_001311345.2, NM_001322487.2, NM_001322489.2); c.1716dup, p.Pro573fs (NM_001322476.2, NM_001322477.2); c.1617dup, p.Pro540fs (NM_001322478.2, NM_001322479.2); c.1455dup, p.Pro486fs (NM_001322480.2, NM_001322481.2); c.1356dup, p.Pro453fs (NM_001322482.2); c.1347dup, p.Pro450fs (NM_001322483.2, NM_001322484.2); c.1248dup, p.Pro417fs (NM_001322485.2); short protein forms P540fs, P573fs, P249fs, P450fs, P453fs, P417fs, P486fs.
Identifiers: ClinVar variation 856246 (VCV000856246.8), dbSNP rs1845000530, ClinGen allele CA916083102.

ClinVar aggregate classification (germline): Pathogenic (1 of 4 stars; one submission).

Submission:

Labcorp Genetics (formerly Invitae), Labcorp
Classification: Pathogenic. Last evaluated: 2020-10-02. Review status: criteria provided, single submitter. Criteria: Invitae Variant Classification Sherloc (09022015). Collection method: clinical testing. Allele origin: germline.
Comment: For these reasons, this variant has been classified as Pathogenic. Loss-of-function variants in HPS1 are known to be pathogenic (PMID: 12442288, 16185271). This variant has not been reported in the literature in individuals with HPS1-related conditions. ClinVar contains an entry for this variant (Variation ID: 856246). This variant is not present in population databases (ExAC no frequency). This sequence change creates a premature translational stop signal (p.Pro573Alafs*9) in the HPS1 gene. It is expected to result in an absent or disrupted protein product.

Literature cited by the submitters: PubMed 12442288; PubMed 16185271.